The following is an entry in ClinVar:

ClinVar aggregate classification (germline): Uncertain significance (1 of 4 stars; one submission).

Submission:

GeneDx
Classification: Uncertain significance. Last evaluated: 2026-01-21. Review status: criteria provided, single submitter. Criteria: GeneDx Variant Classification Process June 2021. Collection method: clinical testing. Allele origin: germline.
Comment: Not observed at significant frequency in large population cohorts (gnomAD); In silico analysis suggests that this missense variant does not alter protein structure/function; Has not been previously published as pathogenic or benign to our knowledge

NM_003722.5(TP63):c.1559G>C (p.Ser520Thr)

Gene: TP63 (tumor protein p63; plus strand). Cytogenetic location: 3q28.
Variant type: single nucleotide variant.
Coding change: c.1559G>C on transcript NM_003722.5 (MANE Select); coding-DNA position 1559, G replaced by C.
Protein change: p.Ser520Thr; replaces serine 520 with threonine.
Molecular consequence: missense variant. On other transcripts: intron variant (4).
Genome position (GRCh38, 1-based): chr3:189,889,391, G>C. VCF-style: chr3-189889391-G-C. GRCh37 (hg19) VCF-style: chr3-189607180-G-C.
Other names: c.1559G>C, p.Ser520Thr (NM_001114978.2); c.1277G>C, p.Ser426Thr (NM_001114980.2, NM_001114981.2); c.1022G>C, p.Ser341Thr (NM_001329146.2); c.1547G>C, p.Ser516Thr (NM_001329148.2); c.1553G>C, p.Ser518Thr (NM_001329964.2); c.1507+2840G>C (NM_001329144.2); c.1225+2840G>C (NM_001329145.2); c.1213+2840G>C (NM_001329149.2); and 1 more; short protein forms S341T, S426T, S516T, S518T, S520T.
Identifiers: ClinVar variation 4975299 (VCV004975299.1).
Genomic context (GRCh38, chr3:189,889,391, plus strand): 5'-TCTGTTCAGTTCCCATGATGGGCACCCACATGCCAATGGCTGGAGACATGAATGGACTCA[G>C]CCCCACCCAGGCACTCCCTCCCCCACTCTCCATGCCATCCACCTCCCACTGCACACCCCC-3'
Protein context (NP_003713.3, residues 510-530): MPMAGDMNGL[Ser520Thr]PTQALPPPLS